The following is an entry in ClinVar:

NM_017514.5(PLXNA3):c.4288-10C>T

Gene: PLXNA3 (plexin A3; plus strand). Cytogenetic location: Xq28.
Variant type: single nucleotide variant.
Coding change: c.4288-10C>T on transcript NM_017514.5 (MANE Select); 10 bases into the intron before coding-DNA position 4288, C replaced by T.
Molecular consequence: intron variant.
Genome position (GRCh38, 1-based): chrX:154,468,813, C>T. VCF-style: chrX-154468813-C-T. GRCh37 (hg19) VCF-style: chrX-153697156-C-T.
Identifiers: ClinVar variation 3353435 (VCV003353435.1).
Genomic context (GRCh38, chrX:154,468,813, plus strand): 5'-GGGAGGTGGTGGCAGAGGACCGGCCAGTGGTCAGGCAGGCAGCCAGCTGTGCACCTGTCC[C>T]TGGCTGCAGGAGTGTGCTGGGGAGCCTCTCTTCCTGCTTTACTGTGCCATCAAGCAGCAG-3'

ClinVar aggregate classification (germline): Likely benign (0 of 4 stars; one submission).

Conditions:
PLXNA3-related disorder. Also called: PLXNA3-related condition.

gnomAD v4.1: 42 of 1,210,203 alleles (0.0035%); highest among the groups gnomAD compares: Non-Finnish European, 0.0047%; no homozygotes.

Submission:

PreventionGenetics, part of Exact Sciences
Classification: Likely benign for PLXNA3-related condition. Last evaluated: 2024-07-01. Review status: no assertion criteria provided. Collection method: clinical testing. Allele origin: germline.
Comment: This variant is classified as likely benign based on ACMG/AMP sequence variant interpretation guidelines (Richards et al. 2015 PMID: 25741868, with internal and published modifications).